The following is an entry in ClinVar:

ClinVar aggregate classification (germline): Uncertain significance (1 of 4 stars; one submission).

Submission:

GeneDx
Classification: Uncertain significance. Last evaluated: 2024-03-27. Review status: criteria provided, single submitter. Criteria: GeneDx Variant Classification Process June 2021. Collection method: clinical testing. Allele origin: germline. Affected: yes.
Comment: Not observed at significant frequency in large population cohorts (gnomAD); In silico analysis supports that this missense variant has a deleterious effect on protein structure/function; Has not been previously published as pathogenic or benign to our knowledge

NM_032482.3(DOT1L):c.4426C>T (p.Leu1476Phe)

Gene: DOT1L (DOT1 like histone lysine methyltransferase; plus strand). Cytogenetic location: 19p13.3.
Variant type: single nucleotide variant.
Coding change: c.4426C>T on transcript NM_032482.3 (MANE Select); coding-DNA position 4426, C replaced by T.
Protein change: p.Leu1476Phe; replaces leucine 1476 with phenylalanine.
Molecular consequence: missense variant.
Genome position (GRCh38, 1-based): chr19:2,226,947, C>T. VCF-style: chr19-2226947-C-T. GRCh37 (hg19) VCF-style: chr19-2226946-C-T.
Other names: c.4426C>T, p.Leu1476Phe (NM_001411141.1); short protein forms L1476F.
Identifiers: ClinVar variation 3371635 (VCV003371635.1).